The following is an entry in ClinVar:

ClinVar aggregate classification (germline): Pathogenic (1 of 4 stars; one submission).

Conditions:
Cerebral folate transport deficiency. Also called: Cerebral folate deficiency syndrome; Neurodegenerative syndrome due to cerebral folate transport deficiency; FOLATE RECEPTOR DEFICIENCY; NEURODEGENERATION DUE TO CEREBRAL FOLATE TRANSPORT DEFICIENCY; FOLR1-Related Cerebral Folate Transport Deficiency. Identifiers: Orphanet 217382, MedGen C2751584, MONDO:0013110, OMIM 613068. Disease mechanism: loss of function.

Submission:

3billion
Classification: Pathogenic for Cerebral folate transport deficiency. Last evaluated: 2023-08-01. Review status: criteria provided, single submitter. Criteria: ACMG Guidelines, 2015. Collection method: clinical testing. Allele origin: germline. Affected: yes.
Comment: The variant is not observed in the gnomAD v2.1.1 dataset. Predicted Consequence/Location: Stop-gained (nonsense) - predicted to result in a loss or disruption of normal protein function through nonsense-mediated decay (NMD) or protein truncation. Multiple pathogenic variants are reported downstream of the variant. Therefore, the variant is classified as pathogenic according to the recommendation of ACMG/AMP guideline.

NM_016729.3(FOLR1):c.327C>A (p.Cys109Ter)

Genes: FOLR1-AS1 (FOLR1 antisense RNA 1; minus strand), FOLR1 (folate receptor alpha; plus strand). Cytogenetic location: 11q13.4.
Variant type: single nucleotide variant.
Coding change: c.327C>A on transcript NM_016729.3 (MANE Select); coding-DNA position 327, C replaced by A.
Protein change: p.Cys109Ter; replaces cysteine 109 with a stop codon.
Molecular consequence: nonsense.
Genome position (GRCh38, 1-based): chr11:72,195,429, C>A. VCF-style: chr11-72195429-C-A. GRCh37 (hg19) VCF-style: chr11-71906473-C-A.
Other names: c.327C>A, p.Cys109Ter (NM_000802.3, NM_016724.3, NM_016725.3); short protein forms C109*.
Identifiers: ClinVar variation 3775416 (VCV003775416.1).